The following is an entry in ClinVar:

ClinVar aggregate classification (germline): Uncertain significance. Review status: criteria provided, multiple submitters, no conflicts (2 of 4 stars). 3 submissions from 3 submitters: Uncertain significance (3). Last evaluated 2024-01-25.

Conditions:
Long QT syndrome (LQTS). Identifiers: MedGen C0023976, MeSH D008133, MONDO:0002442. Disease mechanism: loss of function. Inheritance: Various modes of inheritance.
Cardiac arrhythmia, ankyrin-B-related. Also called: ANKYRIN-B SYNDROME. Identifiers: Orphanet 101016, Orphanet 768, MedGen C1970119, MONDO:0010958, OMIM 600919.

Allele frequency attached by ClinVar (database versions not stated): gnomAD exomes below 0.00001; ExAC 0.00001; gnomAD 0.00001; TOPMed 0.00001.
gnomAD v4.1: 8 of 1,613,904 alleles (0.0005%); highest among the groups gnomAD compares: Middle Eastern, 0.016%; no homozygotes.

Submissions (3):

Labcorp Genetics (formerly Invitae), Labcorp
Classification: Uncertain significance for Long QT syndrome. Last evaluated: 2024-01-25. Review status: criteria provided, single submitter. Criteria: Invitae Variant Classification Sherloc (09022015). Collection method: clinical testing. Allele origin: germline.
Comment: This sequence change replaces arginine, which is basic and polar, with glutamine, which is neutral and polar, at codon 1305 of the ANK2 protein (p.Arg1305Gln). This variant is present in population databases (rs750510790, gnomAD 0.0009%). This missense change has been observed in individual(s) with clinical features of Brugada syndrome (PMID: 26230511). ClinVar contains an entry for this variant (Variation ID: 420577). Advanced modeling of protein sequence and biophysical properties (such as structural, functional, and spatial information, amino acid conservation, physicochemical variation, residue mobility, and thermodynamic stability) performed at Invitae indicates that this missense variant is not expected to disrupt ANK2 protein function with a negative predictive value of 80%. In summary, the available evidence is currently insufficient to determine the role of this variant in disease. Therefore, it has been classified as a Variant of Uncertain Significance.

Fulgent Genetics
Classification: Uncertain significance for Cardiac arrhythmia, ankyrin-B-related. Last evaluated: 2022-02-14. Review status: criteria provided, single submitter. Criteria: ACMG Guidelines, 2015. Collection method: clinical testing. Allele origin: unknown.

GeneDx
Classification: Uncertain significance. Last evaluated: 2017-03-03. Review status: criteria provided, single submitter. Criteria: GeneDx Variant Classification (06012015). Collection method: clinical testing. Allele origin: germline. Affected: yes.
Comment: The R1305Q variant in the ANK2 gene has been reported previously in the heterozygous state with incomplete penetrance in a family with Brugada syndrome (Allegue et al., 2015). The R1305Q variant is not observed at a significant frequency in large population cohorts (Lek et al., 2016; 1000 GenomesConsortium et al., 2015; Exome Variant Server). The R1305Q variant is a semi-conservative amino acid substitution, which may impact secondary protein structure as these residues differ in some properties. This substitution occurs at a position that is conserved across species. In silico analysis isinconsistent in its predictions as to whether or not the variant is damaging to the proteinstructure/function. We interpret R1305Q as a variant of uncertain significance,

Literature cited by the submitters: PubMed 26230511 (cited by Labcorp Genetics (formerly Invitae), Labcorp).

NM_001148.6(ANK2):c.3914G>A (p.Arg1305Gln)

Gene: ANK2 (ankyrin 2; plus strand). Cytogenetic location: 4q26.
Variant type: single nucleotide variant.
Coding change: c.3914G>A on transcript NM_001148.6 (MANE Select); coding-DNA position 3914, G replaced by A.
Protein change: p.Arg1305Gln; replaces arginine 1305 with glutamine.
Molecular consequence: missense variant.
Genome position (GRCh38, 1-based): chr4:113,341,708, G>A. VCF-style: chr4-113341708-G-A. GRCh37 (hg19) VCF-style: chr4-114262864-G-A.
Other names: c.3887G>A, p.Arg1296Gln (NM_001127493.3); c.3926G>A, p.Arg1309Gln (NM_001354225.2); c.3815G>A, p.Arg1272Gln (NM_001354228.2, NM_001354258.2); c.3893G>A, p.Arg1298Gln (NM_001354230.2); c.3956G>A, p.Arg1319Gln (NM_001354231.2, NM_001354242.2); c.3950G>A, p.Arg1317Gln (NM_001354232.2); c.3911G>A, p.Arg1304Gln (NM_001354235.2, NM_001354246.2, NM_001354265.2); c.3812G>A, p.Arg1271Gln (NM_001354236.2); and 31 more; short protein forms R1296Q, R1305Q, R1177Q, R1234Q, R1238Q, R1239Q, R1243Q, R1272Q.
Identifiers: ClinVar variation 420577 (VCV000420577.4), dbSNP rs750510790, ClinGen allele CA3050961.